The following is an entry in ClinVar:

ClinVar aggregate classification (germline): Uncertain significance. Review status: criteria provided, multiple submitters, no conflicts (2 of 4 stars). 4 submissions from 4 submitters: Uncertain significance (4). Last evaluated 2024-09-16.

Conditions:
Classic or attenuated familial adenomatous polyposis. Identifiers: MedGen CN372698, MONDO:0021057.
Hereditary cancer-predisposing syndrome. Also called: Hereditary neoplastic syndrome; Neoplastic Syndromes, Hereditary; Hereditary Cancer Syndrome; Tumor predisposition. Identifiers: Orphanet 140162, MedGen C0027672, MeSH D009386, MONDO:0015356.
Familial adenomatous polyposis 1 (FAP1). Also called: POLYPOSIS, ADENOMATOUS INTESTINAL; FAMILIAL ADENOMATOUS POLYPOSIS 1, ATTENUATED. Identifiers: MedGen C2713442, MONDO:0021056, OMIM 175100. Disease mechanism: loss of function.

Submissions (4):

Labcorp Genetics (formerly Invitae), Labcorp
Classification: Uncertain significance for Familial adenomatous polyposis 1. Last evaluated: 2024-09-16. Review status: criteria provided, single submitter. Criteria: Invitae Variant Classification Sherloc (09022015). Collection method: clinical testing. Allele origin: germline.
Comment: This sequence change replaces threonine, which is neutral and polar, with lysine, which is basic and polar, at codon 35 of the APC protein (p.Thr35Lys). This variant is not present in population databases (gnomAD no frequency). This variant has not been reported in the literature in individuals affected with APC-related conditions. ClinVar contains an entry for this variant (Variation ID: 660487). Invitae Evidence Modeling of protein sequence and biophysical properties (such as structural, functional, and spatial information, amino acid conservation, physicochemical variation, residue mobility, and thermodynamic stability) indicates that this missense variant is not expected to disrupt APC protein function with a negative predictive value of 95%. In summary, the available evidence is currently insufficient to determine the role of this variant in disease. Therefore, it has been classified as a Variant of Uncertain Significance.

Baylor Genetics
Classification: Uncertain significance for Familial adenomatous polyposis 1. Last evaluated: 2024-03-13. Review status: criteria provided, single submitter. Criteria: ACMG Guidelines, 2015. Collection method: clinical testing. Allele origin: unknown.

All of Us Research Program, National Institutes of Health
Classification: Uncertain significance for Classic or attenuated familial adenomatous polyposis. Last evaluated: 2023-12-13. Review status: criteria provided, single submitter. Criteria: ACMG Guidelines, 2015. Collection method: clinical testing. Allele origin: germline. Inheritance: Autosomal dominant inheritance. Observed: 1 variant allele, 1 heterozygote.
Comment: This missense variant replaces threonine with lysine at codon 35 of the APC protein. Computational prediction suggests that this variant may not impact protein structure and function (internally defined REVEL score threshold <= 0.5, PMID: 27666373). To our knowledge, functional studies have not been reported for this variant. This variant has not been reported in individuals affected with APC-related disorders in the literature. This variant has not been identified in the general population by the Genome Aggregation Database (gnomAD). The available evidence is insufficient to determine the role of this variant in disease conclusively. Therefore, this variant is classified as a Variant of Uncertain Significance.

This study involves interpretation of variants in research participants for the purpose of population health screening. Participant phenotype was not available at the time of variant classification. Additional details can be found in publication PMID: 35346344, PMCID: PMC8962531

Ambry Genetics
Classification: Uncertain significance for Hereditary cancer-predisposing syndrome. Last evaluated: 2020-01-21. Review status: criteria provided, single submitter. Criteria: Ambry Variant Classification Scheme 2023. Collection method: clinical testing. Allele origin: germline.
Comment: The p.T35K variant (also known as c.104C>A), located in coding exon 1 of the APC gene, results from a C to A substitution at nucleotide position 104. The threonine at codon 35 is replaced by lysine, an amino acid with similar properties. This amino acid position is well conserved in available vertebrate species. In addition, in silico predictors for this gene do not accurately predict pathogenicity. Since supporting evidence is limited at this time, the clinical significance of this alteration remains unclear.

NM_000038.6(APC):c.104C>A (p.Thr35Lys)

Gene: APC (APC regulator of Wnt signaling pathway; plus strand). Cytogenetic location: 5q22.2.
Variant type: single nucleotide variant.
Coding change: c.104C>A on transcript NM_000038.6 (MANE Select); coding-DNA position 104, C replaced by A.
Protein change: p.Thr35Lys; replaces threonine 35 with lysine.
Molecular consequence: missense variant. On other transcripts: 5 prime UTR variant (1), intron variant (8).
Genome position (GRCh38, 1-based): chr5:112,754,994, C>A. VCF-style: chr5-112754994-C-A. GRCh37 (hg19) VCF-style: chr5-112090691-C-A.
Other names: c.104C>A, p.Thr35Lys (NM_001127510.3, NM_001354895.2, NM_001354896.2 and 2 more transcripts); c.-932C>A (NM_001354906.2); c.166-11332C>A (NM_001354897.2, NM_001354902.2, NM_001127511.3); c.61-11332C>A (NM_001354898.2, NM_001354904.2); c.-42-11332C>A (NM_001354900.2, NM_001354901.2, NM_001354905.2); short protein forms T35K.
Identifiers: ClinVar variation 660487 (VCV000660487.14), dbSNP rs1581122062, ClinGen allele CA16021568.